The following is an entry in ClinVar:

ClinVar aggregate classification (germline): Pathogenic/Likely pathogenic. Review status: criteria provided, multiple submitters, no conflicts (2 of 4 stars). 6 submissions from 6 submitters: Pathogenic (4); Likely pathogenic (1). 1 of the submissions does not count toward it. Last evaluated 2025-10-19.

Conditions:
Hereditary cancer-predisposing syndrome. Also called: Tumor predisposition; Hereditary Cancer Syndrome; Hereditary neoplastic syndrome; Neoplastic Syndromes, Hereditary. Identifiers: Orphanet 140162, MedGen C0027672, MeSH D009386, MONDO:0015356.
Microcephaly, normal intelligence and immunodeficiency (NBS). Also called: Microcephaly with normal intelligence immunodeficiency and lymphoreticular malignancies; Nonsyndromal microcephaly autosomal recessive with normal intelligence; Seemanova syndrome 2; SEEMANOVA SYNDROME II; Ataxia telangiectasia variant V1; Immunodeficiency, microcephaly with normal intelligence. Identifiers: Orphanet 647, MedGen C0398791, MONDO:0009623, OMIM 251260.
Aplastic anemia. Identifiers: Orphanet 182040, Orphanet 88, MedGen C0002874, MONDO:0015909, OMIM 609135, HP:0001915.

Submissions (6):

Labcorp Genetics (formerly Invitae), Labcorp
Classification: Pathogenic for Microcephaly, normal intelligence and immunodeficiency. Last evaluated: 2025-10-19. Review status: criteria provided, single submitter. Criteria: Invitae Variant Classification Sherloc (09022015). Collection method: clinical testing. Allele origin: germline.
Comment: This sequence change creates a premature translational stop signal (p.Glu617Lysfs*40) in the NBN gene. It is expected to result in an absent or disrupted protein product. Loss-of-function variants in NBN are known to be pathogenic (PMID: 9590180, 16415040). This variant is not present in population databases (gnomAD no frequency). This variant has not been reported in the literature in individuals affected with NBN-related conditions. ClinVar contains an entry for this variant (Variation ID: 370589). Algorithms developed to predict the effect of sequence changes on RNA splicing suggest that this variant may create or strengthen a splice site. For these reasons, this variant has been classified as Pathogenic.

Ambry Genetics
Classification: Pathogenic for Hereditary cancer-predisposing syndrome. Last evaluated: 2024-03-14. Review status: criteria provided, single submitter. Criteria: Ambry Variant Classification Scheme 2023. Collection method: clinical testing. Allele origin: germline.
Comment: The c.1848delA pathogenic mutation, located in coding exon 12 of the NBN gene, results from a deletion of one nucleotide at nucleotide position 1848, causing a translational frameshift with a predicted alternate stop codon (p.E617Kfs*40). This variant is considered to be rare based on population cohorts in the Genome Aggregation Database (gnomAD). This alteration is expected to result in loss of function by premature protein truncation or nonsense-mediated mRNA decay. As such, this alteration is interpreted as a disease-causing mutation.

Baylor Genetics
Classification: Likely pathogenic for Aplastic anemia. Last evaluated: 2023-12-30. Review status: criteria provided, single submitter. Criteria: ACMG Guidelines, 2015. Collection method: clinical testing. Allele origin: unknown.

Genome-Nilou Lab
Classification: Pathogenic for Microcephaly, normal intelligence and immunodeficiency. Last evaluated: 2021-11-07. Review status: criteria provided, single submitter. Criteria: ACMG Guidelines, 2015. Collection method: clinical testing. Allele origin: germline. Affected: no.

Color Diagnostics, LLC DBA Color Health
Classification: Pathogenic for Hereditary cancer-predisposing syndrome. Last evaluated: 2020-12-07. Review status: criteria provided, single submitter. Criteria: ACMG Guidelines, 2015. Collection method: clinical testing. Allele origin: germline.
Comment: This variant is located in the NBN protein. To our knowledge, functional studies have not been reported for this variant. This variant has not been reported in individuals affected with hereditary cancer in the literature. This variant has not been identified in the general population by the Genome Aggregation Database (gnomAD). Loss of NBN function is a known mechanism of disease. Based on the available evidence, this variant is classified as Pathogenic.

Counsyl
Classification: Likely pathogenic for Microcephaly, normal intelligence and immunodeficiency. Last evaluated: 2016-03-02. Review status: no assertion criteria provided. Collection method: clinical testing. Allele origin: unknown. Not counted in ClinVar's aggregate classification.

Literature cited by the submitters: PubMed 9590180 (cited by Labcorp Genetics (formerly Invitae), Labcorp); PubMed 16415040 (cited by Labcorp Genetics (formerly Invitae), Labcorp).

NM_002485.5(NBN):c.1848del (p.Glu617fs)

Genes: NBN (nibrin; minus strand), LOC126860438 (MED14-independent group 3 enhancer GRCh37_chr8:90959982-90961181; plus strand). Cytogenetic location: 8q21.3.
Variant type: Deletion.
Coding change: c.1848del on transcript NM_002485.5 (MANE Select); coding-DNA position 1848, one base deleted (A; older notation c.1848delA).
Protein change: p.Glu617fs; shifts the reading frame from glutamic acid 617.
Molecular consequence: frameshift variant.
Genome position (GRCh38, 1-based): chr8:89,947,890, T deleted on the plus strand (A on the coding strand, the reverse complement: NBN is on the minus strand); the first of 2 consecutive T bases (chr8:89,947,890-89,947,891); deleting either gives the same sequence. VCF-style (leftmost placement, unchanged base first): chr8-89947889-CT-C. GRCh37 (hg19) VCF-style: chr8-90960117-CT-C.
Other names: c.1848delA (NM_002485.4); c.1602del, p.Glu535fs (NM_001024688.3); short protein forms E617fs, E535fs.
Identifiers: ClinVar variation 370589 (VCV000370589.17), dbSNP rs1057516611, ClinGen allele CA16041205.
Genomic context (GRCh38, chr8:89,947,889, plus strand): 5'-TTTCTTTAGCTGACCATAGTGAGTCTTCCTTGAGTTCACGTTTCTTCCCAATTTCATTTT[CT>C]TGCTAAAGAAATAAAATAAAAAATACTGTTCATAGGAGTAATAAAATGGTATGTTTCTAT-3'